The following is an entry in ClinVar:

NR_003051.3(RMRP):n.-5_-4insTGAAGCTGAGGTGAAGCTGAGG

Gene: RMRP (RNA component of mitochondrial RNA processing endoribonuclease; minus strand). Cytogenetic location: 9p13.3.
Variant type: Microsatellite.
Genome position: GRCh38 VCF-style: chr9-35658022-T-TCCTCAGCTTCACCTCAGCTTCA. GRCh37 (hg19) VCF-style: chr9-35658019-T-TCCTCAGCTTCACCTCAGCTTCA.
Identifiers: ClinVar variation 4817183 (VCV004817183.1).

ClinVar aggregate classification (germline): Likely pathogenic (1 of 4 stars; one submission).

Conditions:
Metaphyseal chondrodysplasia, McKusick type (CHH). Also called: Cartilage-hair hypoplasia; Cartilage-Hair Hypoplasia (CHH). Identifiers: Orphanet 175, MedGen C0220748, MONDO:0009595, OMIM 250250.

Submission:

Natera, Inc.
Classification: Likely pathogenic for Cartilage-hair hypoplasia. Last evaluated: 2024-11-15. Review status: criteria provided, single submitter. Criteria: Natera Variant Classification Schema (03/2026). Collection method: clinical testing. Allele origin: germline.
Comment: The n.-5_-4insTGAAGCTGAGGTGAAGCTGAGG variant in RMRP is an insertion affecting the RMRP promoter region between the TATA box and the transcription initiation site. Other duplications and insertions just upstream of the transcription initiation site have been reported in individuals affected with cartilage-hair hypoplasia (PMID: 11207361, 17937437). This variant is rare in the general population with a frequency below the threshold expected for the associated phenotype(s). Given the available evidence, this variant is classified as Likely pathogenic.

Literature cited by the submitters: PubMed 11207361; PubMed 17937437.